The following is an entry in ClinVar:

ClinVar aggregate classification (germline): Uncertain significance (1 of 4 stars; one submission).

Submission:

Labcorp Genetics (formerly Invitae), Labcorp
Classification: Uncertain significance. Last evaluated: 2024-03-01. Review status: criteria provided, single submitter. Criteria: Invitae Variant Classification Sherloc (09022015). Collection method: clinical testing. Allele origin: germline.
Comment: This sequence change falls in intron 19 of the COL9A3 gene. It does not directly change the encoded amino acid sequence of the COL9A3 protein. It affects a nucleotide within the consensus splice site. This variant is not present in population databases (gnomAD no frequency). This variant has not been reported in the literature in individuals affected with COL9A3-related conditions. Variants that disrupt the consensus splice site are a relatively common cause of aberrant splicing (PMID: 17576681, 9536098). Algorithms developed to predict the effect of sequence changes on RNA splicing suggest that this variant is not likely to affect RNA splicing. In summary, the available evidence is currently insufficient to determine the role of this variant in disease. Therefore, it has been classified as a Variant of Uncertain Significance.

Literature cited by the submitters: PubMed 17576681; PubMed 9536098.

NM_001853.4(COL9A3):c.1009-3C>T

Gene: COL9A3 (collagen type IX alpha 3 chain; plus strand). Cytogenetic location: 20q13.33.
Variant type: single nucleotide variant.
Coding change: c.1009-3C>T on transcript NM_001853.4 (MANE Select); 3 bases into the intron before coding-DNA position 1009, C replaced by T.
Molecular consequence: intron variant.
Genome position (GRCh38, 1-based): chr20:62,829,452, C>T. VCF-style: chr20-62829452-C-T. GRCh37 (hg19) VCF-style: chr20-61460804-C-T.
Identifiers: ClinVar variation 3644028 (VCV003644028.2).
Genomic context (GRCh38, chr20:62,829,452, plus strand): 5'-CTGGGTGCTGCTGCCGGCGTGCAATGTAACTGGCAGCCCTGACCGCAAGCTCTCTCCTGG[C>T]AGGGCCTCCCTGGACGAGCGGGGTCCAAAGGCGAGAAGGGAGAACGGGTATGTGGCTGCA-3'